The following is an entry in ClinVar:

NM_000271.5(NPC1):c.2590_2591del (p.Leu864fs)

Gene: NPC1 (NPC intracellular cholesterol transporter 1; minus strand). Cytogenetic location: 18q11.2.
Variant type: Microsatellite.
Coding change: c.2590_2591del on transcript NM_000271.5 (MANE Select); coding-DNA positions 2590 to 2591, 2 bases deleted (CT; older notation c.2590_2591delCT).
Protein change: p.Leu864fs; shifts the reading frame from leucine 864.
Molecular consequence: frameshift variant.
Genome position (GRCh38, 1-based): chr18:23,540,461-23,540,462, AG deleted on the plus strand (CT on the coding strand, the reverse complement: NPC1 is on the minus strand); deleting any 2 consecutive bases within chr18:23,540,461-23,540,465 gives the same sequence; the c. name uses the placement nearest the transcript's 3' end. VCF-style (leftmost placement, unchanged base first): chr18-23540460-AAG-A. GRCh37 (hg19) VCF-style: chr18-21120424-AAG-A.
Other names: short protein forms L864fs.
Identifiers: ClinVar variation 5012495 (VCV005012495.1).
Genomic context (GRCh38, chr18:23,540,460, plus strand): 5'-TCATCAGCTAAAGAAGTTAAAAAAAAAAAAAAAAGGAAGTCATCTTACATCTGGCATCGA[AAG>A]AGACTGATCCAATCCAATATCTACTTTGTTCAGGACTGCGATGCTGAATGACAGAACACC-3'

ClinVar aggregate classification (germline): Pathogenic (1 of 4 stars; one submission).

Conditions:
Niemann-Pick disease, type C1. Also called: NEUROVISCERAL STORAGE DISEASE WITH VERTICAL SUPRANUCLEAR OPHTHALMOPLEGIA; NIEMANN-PICK DISEASE WITH CHOLESTEROL ESTERIFICATION BLOCK; NIEMANN-PICK DISEASE WITHOUT SPHINGOMYELINASE DEFICIENCY; NIEMANN-PICK DISEASE, CHRONIC NEURONOPATHIC FORM; NIEMANN-PICK DISEASE, VARIANT TYPE C1. Identifiers: Orphanet 646, MedGen C3179455, MONDO:0009757, OMIM 257220.

Submission:

Myriad Genetics, Inc.
Classification: Pathogenic for Niemann-Pick disease, type C1. Last evaluated: 2023-11-19. Review status: criteria provided, single submitter. Criteria: Myriad Autosomal Dominant, Autosomal Recessive and X-Linked Classification Criteria (2023). Collection method: clinical testing. Allele origin: unknown.
Comment: NM_000271.4(NPC1):c.2590_2591delCT(L864Ffs*5) is expected to be pathogenic in the context of Niemann-Pick disease type C1. This variant is predicted to lead to an abnormal or absent protein product due to the creation of a premature termination codon in NPC1, a gene where loss-of-function variants are known to be pathogenic. Please note: this variant was assessed in the context of healthy population screening.